The following is an entry in ClinVar:

ClinVar aggregate classification (germline): Conflicting classifications of pathogenicity. Review status: criteria provided, conflicting classifications (1 of 4 stars). 2 submissions from 2 submitters: Uncertain significance (1); Likely benign (1). Last evaluated 2025-02-14.

Conditions:
Ataxia-telangiectasia syndrome (AT). Also called: LOUIS-BAR SYNDROME; Cerebello-oculocutaneous telangiectasia; Immunodeficiency with ataxia telangiectasia; Ataxia-telangiectasia, complementation group D; AT, COMPLEMENTATION GROUP C; ATAXIA-TELANGIECTASIA, COMPLEMENTATION GROUP A. Identifiers: Orphanet 100, MedGen C0004135, MONDO:0008840, OMIM 208900.
Hereditary cancer-predisposing syndrome. Also called: Neoplastic Syndromes, Hereditary; Tumor predisposition; Hereditary Cancer Syndrome; Hereditary neoplastic syndrome. Identifiers: Orphanet 140162, MedGen C0027672, MeSH D009386, MONDO:0015356.

Submissions (2):

Ambry Genetics
Classification: Likely benign for Hereditary cancer-predisposing syndrome. Last evaluated: 2025-02-14. Review status: criteria provided, single submitter. Criteria: Ambry Variant Classification Scheme 2023. Collection method: clinical testing. Allele origin: germline.

Labcorp Genetics (formerly Invitae), Labcorp
Classification: Uncertain significance for Ataxia-telangiectasia syndrome. Last evaluated: 2024-01-26. Review status: criteria provided, single submitter. Criteria: Invitae Variant Classification Sherloc (09022015). Collection method: clinical testing. Allele origin: germline.
Comment: This sequence change replaces asparagine, which is neutral and polar, with aspartic acid, which is acidic and polar, at codon 1515 of the ATM protein (p.Asn1515Asp). This variant is not present in population databases (gnomAD no frequency). This variant has not been reported in the literature in individuals affected with ATM-related conditions. ClinVar contains an entry for this variant (Variation ID: 1741375). An algorithm developed to predict the effect of missense changes on protein structure and function (PolyPhen-2) suggests that this variant is likely to be tolerated. In summary, the available evidence is currently insufficient to determine the role of this variant in disease. Therefore, it has been classified as a Variant of Uncertain Significance.

NM_000051.4(ATM):c.4543A>G (p.Asn1515Asp)

Gene: ATM (ATM serine/threonine kinase; plus strand). Cytogenetic location: 11q22.3.
Variant type: single nucleotide variant.
Coding change: c.4543A>G on transcript NM_000051.4 (MANE Select); coding-DNA position 4543, A replaced by G.
Protein change: p.Asn1515Asp; replaces asparagine 1515 with aspartic acid.
Molecular consequence: missense variant.
Genome position (GRCh38, 1-based): chr11:108,292,725, A>G. VCF-style: chr11-108292725-A-G. GRCh37 (hg19) VCF-style: chr11-108163452-A-G.
Other names: c.4543A>G, p.Asn1515Asp (NM_001351834.2); short protein forms N1515D.
Identifiers: ClinVar variation 1741375 (VCV001741375.6), dbSNP rs939373681, ClinGen allele CA382533773.
Genomic context (GRCh38, chr11:108,292,725, plus strand): 5'-TGTGACTTATTAAGTCAGGTTTGCCAGACAGCCGTGACTTACTGTAAGGATGCTCTAGAA[A>G]ACCATCTTCATGTTATTGTTGGTACACTTATACCCCTTGTGTATGAGCAGGTGGAGGTTC-3'
Protein context (NP_000042.3, residues 1505-1525): AVTYCKDALE[Asn1515Asp]HLHVIVGTLI